The following is an entry in ClinVar:

NM_001042603.3(KDM5A):c.1314T>C (p.Tyr438=)

Gene: KDM5A (lysine demethylase 5A; minus strand). Cytogenetic location: 12p13.33.
Variant type: single nucleotide variant.
Coding change: c.1314T>C on transcript NM_001042603.3 (MANE Select); coding-DNA position 1314, T replaced by C.
Protein change: p.Tyr438=; no amino-acid change (tyrosine 438 retained).
Molecular consequence: synonymous variant.
Genome position (GRCh38, 1-based): chr12:334,417, A>G on the plus strand (T>C on the coding strand, the complement: KDM5A is on the minus strand). VCF-style: chr12-334417-A-G. GRCh37 (hg19) VCF-style: chr12-443583-A-G.
Identifiers: ClinVar variation 5039868 (VCV005039868.1).

ClinVar aggregate classification (germline): Likely benign (1 of 4 stars; one submission).

gnomAD v4.1: 9 of 1,612,730 alleles (0.00056%); highest among the groups gnomAD compares: Admixed American, 0.015%; no homozygotes.

Submission:

CeGaT Center for Human Genetics Tuebingen
Classification: Likely benign. Last evaluated: 2026-08-01. Review status: criteria provided, single submitter. Criteria: CeGaT Center For Human Genetics Tuebingen Variant Classification Criteria Version 2. Collection method: clinical testing. Allele origin: germline. Affected: yes. Observed: 1 variant allele.
Comment: KDM5A: BP4, BP7